The following is an entry in ClinVar:

ClinVar aggregate classification (germline): Uncertain significance. Review status: criteria provided, multiple submitters, no conflicts (2 of 4 stars). 2 submissions from 2 submitters: Uncertain significance (2). Last evaluated 2025-10-08.

Allele frequency attached by ClinVar (database versions not stated): 1000 Genomes Project 0.00060; 1000 Genomes Project 30x 0.00062; ESP Exome Variant Server 0.00062; gnomAD 0.00064 and 0.00066; ExAC 0.00071; gnomAD exomes 0.00075 and 0.00117; TOPMed 0.00079.
gnomAD v4.1: 1,816 of 1,607,436 alleles (0.11%); highest among the groups gnomAD compares: Non-Finnish European, 0.13%; 2 homozygotes.

Submissions (2):

Labcorp Genetics (formerly Invitae), Labcorp
Classification: Uncertain significance. Last evaluated: 2025-10-08. Review status: criteria provided, single submitter. Criteria: Invitae Variant Classification Sherloc (09022015). Collection method: clinical testing. Allele origin: germline.
Comment: This sequence change replaces arginine, which is basic and polar, with glutamine, which is neutral and polar, at codon 111 of the TOP1MT protein (p.Arg111Gln). This variant is present in population databases (rs147714048, gnomAD 0.1%), and has an allele count higher than expected for a pathogenic variant. This missense change has been observed in individual(s) with spinocerebellar ataxia (PMID: 35422034). ClinVar contains an entry for this variant (Variation ID: 1414884). Invitae Evidence Modeling of protein sequence and biophysical properties (such as structural, functional, and spatial information, amino acid conservation, physicochemical variation, residue mobility, and thermodynamic stability) indicates that this missense variant is not expected to disrupt TOP1MT protein function with a negative predictive value of 80%. Experimental studies have shown that this missense change affects TOP1MT function (PMID: 35422034). In summary, the available evidence is currently insufficient to determine the role of this variant in disease. Therefore, it has been classified as a Variant of Uncertain Significance.

Breakthrough Genomics
Classification: Uncertain significance. Review status: criteria provided, single submitter. Criteria: ACMG Guidelines, 2015. Collection method: not provided. Allele origin: germline. Inheritance: Autosomal recessive inheritance. Affected: yes.

Literature cited by the submitters: PubMed 35422034 (cited by Labcorp Genetics (formerly Invitae), Labcorp).

NM_052963.3(TOP1MT):c.332G>A (p.Arg111Gln)

Gene: TOP1MT (DNA topoisomerase I mitochondrial; minus strand). Cytogenetic location: 8q24.3.
Variant type: single nucleotide variant.
Coding change: c.332G>A on transcript NM_052963.3 (MANE Select); coding-DNA position 332, G replaced by A.
Protein change: p.Arg111Gln; replaces arginine 111 with glutamine.
Molecular consequence: missense variant.
Genome position (GRCh38, 1-based): chr8:143,329,378, C>T on the plus strand (G>A on the coding strand, the complement: TOP1MT is on the minus strand). VCF-style: chr8-143329378-C-T. GRCh37 (hg19) VCF-style: chr8-144411548-C-T.
Other names: c.38G>A, p.Arg13Gln (NM_001258446.1, NM_001258447.1); short protein forms R13Q, R111Q.
Identifiers: ClinVar variation 1414884 (VCV001414884.7), dbSNP rs147714048, ClinGen allele CA4908903.